The following is an entry in ClinVar:

NM_020070.4(IGLL1):c.334G>A (p.Ala112Thr)

Gene: IGLL1 (immunoglobulin lambda like polypeptide 1; minus strand). Cytogenetic location: 22q11.23.
Variant type: single nucleotide variant.
Coding change: c.334G>A on transcript NM_020070.4 (MANE Select); coding-DNA position 334, G replaced by A.
Protein change: p.Ala112Thr; replaces alanine 112 with threonine.
Molecular consequence: missense variant.
Genome position (GRCh38, 1-based): chr22:23,573,574, C>T on the plus strand (G>A on the coding strand, the complement: IGLL1 is on the minus strand). VCF-style: chr22-23573574-C-T. GRCh37 (hg19) VCF-style: chr22-23915761-C-T.
Other names: c.337G>A, p.Ala113Thr (NM_001369906.1); c.218G>A, p.Gly73Asp (NM_152855.3); c.334G>A (NM_020070.2); short protein forms A112T, G73D, A113T.
Identifiers: ClinVar variation 538828 (VCV000538828.18), dbSNP rs149986237, ClinGen allele CA10143308.

ClinVar aggregate classification (germline): Conflicting classifications of pathogenicity. Review status: criteria provided, conflicting classifications (1 of 4 stars). 6 submissions from 6 submitters: Uncertain significance (3); Likely benign (3). Last evaluated 2026-04-09.

Conditions:
Agammaglobulinemia 2, autosomal recessive (AGM2). Also called: AGAMMAGLOBULINEMIA, AUTOSOMAL RECESSIVE, DUE TO IGLL1 DEFECT. Identifiers: MedGen C3150750, MONDO:0013287, OMIM 613500.

Allele frequency attached by ClinVar (database versions not stated): ESP Exome Variant Server 0.00085; gnomAD exomes 0.00091 and 0.00137; ExAC 0.00093; 1000 Genomes Project 30x 0.00094; 1000 Genomes Project 0.00100; gnomAD 0.00115 and 0.00118; TOPMed 0.00118.
gnomAD v4.1: 2,246 of 1,612,964 alleles (0.14%); highest among the groups gnomAD compares: East Asian, 0.24%; 3 homozygotes.

Submissions (6):

Women's Health and Genetics/Laboratory Corporation of America, LabCorp
Classification: Likely benign. Last evaluated: 2026-04-09. Review status: criteria provided, single submitter. Criteria: LabCorp Variant Classification Summary - May 2015. Collection method: clinical testing. Allele origin: germline.
Comment: Variant summary: IGLL1 c.334G>A (p.Ala112Thr) results in a non-conservative amino acid change in the encoded protein sequence. Algorithms developed to predict the effect of missense changes on protein structure and function are either unavailable or do not agree on the potential impact of this missense change. The variant allele was found at a frequency of 0.00091 in 251048 control chromosomes, predominantly at a frequency of 0.0028 within the East Asian subpopulation in the gnomAD database. The observed variant frequency within East Asian control individuals in the gnomAD database exceeds the estimated maximal expected allele frequency for disease-causing variants in IGLL1. To our knowledge, no occurrence of c.334G>A in individuals affected with IGLL1-related conditions and no experimental evidence demonstrating its impact on protein function have been reported. ClinVar contains an entry for this variant (Variation ID: 538828). Based on the evidence outlined above, the variant was classified as likely benign.

Labcorp Genetics (formerly Invitae), Labcorp
Classification: Likely benign for Agammaglobulinemia 2, autosomal recessive. Last evaluated: 2026-02-01. Review status: criteria provided, single submitter. Criteria: Invitae Variant Classification Sherloc (09022015). Collection method: clinical testing. Allele origin: germline.

ARUP Laboratories, Molecular Genetics and Genomics, ARUP Laboratories
Classification: Uncertain significance for Agammaglobulinemia 2, autosomal recessive. Last evaluated: 2025-05-06. Review status: criteria provided, single submitter. Criteria: ARUP Molecular Germline Variant Investigation Process 2024. Collection method: clinical testing. Allele origin: germline.
Comment: The IGLL1 c.334G>A; p.Ala112Thr variant (rs149986237), to our knowledge, is not reported in the medical literature but is reported in ClinVar (Variation ID: 538828). This variant is found in the general population with an overall allele frequency of 0.095% (267/282336 alleles) in the Genome Aggregation Database (v2.1.1). Computational analyses predict that this variant is neutral (REVEL: 0.014). Due to limited information, the clinical significance of this variant is uncertain at this time.

Blueprint Genetics
Classification: Likely benign. Last evaluated: 2024-11-23. Review status: criteria provided, single submitter. Criteria: ACMG Guidelines, 2015. Collection method: clinical testing. Allele origin: germline.

Ambry Genetics
Classification: Uncertain significance. Last evaluated: 2021-07-26. Review status: criteria provided, single submitter. Criteria: Ambry Variant Classification Scheme 2023. Collection method: clinical testing. Allele origin: germline.

Baylor Genetics
Classification: Uncertain significance for Agammaglobulinemia 2, autosomal recessive. Last evaluated: 2018-02-06. Review status: criteria provided, single submitter. Criteria: ACMG Guidelines, 2015. Collection method: clinical testing. Allele origin: paternal. Affected: yes.
Comment: This variant was determined to be of uncertain significance according to ACMG Guidelines, 2015 [PMID:25741868].